The following is an entry in ClinVar:

NC_000005.10:g.112707323T>C

Gene: APC (APC regulator of Wnt signaling pathway; plus strand). Cytogenetic location: 5q22.2.
Variant type: single nucleotide variant.
Genome position: GRCh38 VCF-style: chr5-112707323-T-C. GRCh37 (hg19) VCF-style: chr5-112043020-T-C.
Identifiers: ClinVar variation 1054521 (VCV001054521.10), dbSNP rs1750548254, ClinGen allele CA1080214484.

ClinVar aggregate classification (germline): Uncertain significance (1 of 4 stars; one submission).

Conditions:
Familial adenomatous polyposis 1 (FAP1). Also called: FAMILIAL ADENOMATOUS POLYPOSIS 1, ATTENUATED; POLYPOSIS, ADENOMATOUS INTESTINAL. Identifiers: MedGen C2713442, MONDO:0021056, OMIM 175100. Disease mechanism: loss of function.

Allele frequency attached by ClinVar (database versions not stated): TOPMed below 0.00001; gnomAD 0.00001.

Submission:

Labcorp Genetics (formerly Invitae), Labcorp
Classification: Uncertain significance for Familial adenomatous polyposis 1. Last evaluated: 2025-11-13. Review status: criteria provided, single submitter. Criteria: Invitae Variant Classification Sherloc (09022015). Collection method: clinical testing. Allele origin: germline.
Comment: This variant occurs in a non-coding region of the APC gene. It does not change the encoded amino acid sequence of the APC protein. This variant is not present in population databases (gnomAD no frequency). This variant has not been reported in the literature in individuals affected with APC-related conditions. Experimental studies and prediction algorithms are not available or were not evaluated, and the functional significance of this variant is currently unknown. In summary, the available evidence is currently insufficient to determine the role of this variant in disease. Therefore, it has been classified as a Variant of Uncertain Significance.